The following is an entry in ClinVar:

ClinVar aggregate classification (germline): Uncertain significance (1 of 4 stars; one submission).

gnomAD v4.1: 26 of 1,608,282 alleles (0.0016%); highest among the groups gnomAD compares: Admixed American, 0.0068%; no homozygotes.

Submission:

Labcorp Genetics (formerly Invitae), Labcorp
Classification: Uncertain significance. Last evaluated: 2023-12-22. Review status: criteria provided, single submitter. Criteria: Invitae Variant Classification Sherloc (09022015). Collection method: clinical testing. Allele origin: germline.
Comment: This sequence change falls in intron 40 of the MYO18B gene. It does not directly change the encoded amino acid sequence of the MYO18B protein. It affects a nucleotide within the consensus splice site. This variant is present in population databases (rs757166606, gnomAD 0.006%). This variant has not been reported in the literature in individuals affected with MYO18B-related conditions. ClinVar contains an entry for this variant (Variation ID: 1403878). Variants that disrupt the consensus splice site are a relatively common cause of aberrant splicing (PMID: 17576681, 9536098). Algorithms developed to predict the effect of sequence changes on RNA splicing suggest that this variant may disrupt the consensus splice site. In summary, the available evidence is currently insufficient to determine the role of this variant in disease. Therefore, it has been classified as a Variant of Uncertain Significance.

Literature cited by the submitters: PubMed 17576681; PubMed 9536098.

NM_032608.7(MYO18B):c.6288-3T>G

Gene: MYO18B (myosin XVIIIB; plus strand). Cytogenetic location: 22q12.1.
Variant type: single nucleotide variant.
Coding change: c.6288-3T>G on transcript NM_032608.7 (MANE Select); 3 bases into the intron before coding-DNA position 6288, T replaced by G.
Molecular consequence: intron variant.
Genome position (GRCh38, 1-based): chr22:26,003,262, T>G. VCF-style: chr22-26003262-T-G. GRCh37 (hg19) VCF-style: chr22-26399228-T-G.
Other names: c.6291-3T>G (NM_001318245.2).
Identifiers: ClinVar variation 1403878 (VCV001403878.4), dbSNP rs757166606, ClinGen allele CA10161480.